The following is an entry in ClinVar:

NM_000455.5(STK11):c.597+2T>A

Gene: STK11 (serine/threonine kinase 11; plus strand). Cytogenetic location: 19p13.3.
Variant type: single nucleotide variant.
Coding change: c.597+2T>A on transcript NM_000455.5 (MANE Select); the canonical splice donor site of the intron after coding-DNA position 597, T replaced by A.
Molecular consequence: splice donor variant.
Genome position (GRCh38, 1-based): chr19:1,220,507, T>A. VCF-style: chr19-1220507-T-A. GRCh37 (hg19) VCF-style: chr19-1220506-T-A.
Other names: c.597+2T>A (NM_001407255.1).
Identifiers: ClinVar variation 1360522 (VCV001360522.7), dbSNP rs2145424716, ClinGen allele CA402949336.

ClinVar aggregate classification (germline): Pathogenic. Review status: criteria provided, multiple submitters, no conflicts (2 of 4 stars). 2 submissions from 2 submitters: Pathogenic (2). Last evaluated 2022-06-03.

Conditions:
STK11-related disorder. Also called: STK11-related condition.
Peutz-Jeghers syndrome (PJS). Also called: Peutz-Jeghers polyposis; Periorificial lentiginosis syndrome; POLYPOSIS, HAMARTOMATOUS INTESTINAL; POLYPS-AND-SPOTS SYNDROME. Identifiers: Orphanet 2869, MedGen C0031269, MeSH D010580, MONDO:0008280, OMIM 175200.

Submissions (2):

Blueprint Genetics
Classification: Pathogenic for STK11-related disorders. Last evaluated: 2022-06-03. Review status: criteria provided, single submitter. Criteria: ACMG Guidelines, 2015. Collection method: clinical testing. Allele origin: germline. Affected: yes. Observed: 1 variant allele.

Labcorp Genetics (formerly Invitae), Labcorp
Classification: Pathogenic for Peutz-Jeghers syndrome. Last evaluated: 2021-07-06. Review status: criteria provided, single submitter. Criteria: Invitae Variant Classification Sherloc (09022015). Collection method: clinical testing. Allele origin: germline.
Comment: This sequence change affects a donor splice site in intron 4 of the STK11 gene. RNA analysis indicates that this variant induces altered splicing and may result in an absent or disrupted protein product. This variant is not present in population databases (ExAC no frequency). Disruption of this splice site has been observed in individuals with Peutz-Jeghers syndrome (PMID: 16707622, 21118512, 22775437). Studies have shown that disruption of this splice site results in exon 4 skipping, which introduces a premature termination codon (PMID: 22775437). The resulting mRNA is expected to undergo nonsense-mediated decay. For these reasons, this variant has been classified as Pathogenic.

Literature cited by the submitters: PubMed 16707622 (cited by Labcorp Genetics (formerly Invitae), Labcorp); PubMed 21118512 (cited by Labcorp Genetics (formerly Invitae), Labcorp); PubMed 22775437 (cited by Labcorp Genetics (formerly Invitae), Labcorp).